The following is an entry in ClinVar:

ClinVar aggregate classification (germline): Uncertain significance. Review status: criteria provided, multiple submitters, no conflicts (2 of 4 stars). 2 submissions from 2 submitters: Uncertain significance (2). Last evaluated 2023-04-12.

Conditions:
Inborn genetic diseases. Identifiers: MedGen C0950123, MeSH D030342.
Focal segmental glomerulosclerosis 1 (FSGS1). Identifiers: Orphanet 656, MedGen C4551527, MONDO:0011303, OMIM 603278.

Allele frequency attached by ClinVar (database versions not stated): gnomAD exomes below 0.00001; TOPMed below 0.00001.

Submissions (2):

Ambry Genetics
Classification: Uncertain significance for Inborn genetic diseases. Last evaluated: 2023-04-12. Review status: criteria provided, single submitter. Criteria: Ambry Variant Classification Scheme 2023. Collection method: clinical testing. Allele origin: germline.

Laboratorio de Genetica e Diagnostico Molecular, Hospital Israelita Albert Einstein
Classification: Uncertain significance for Focal segmental glomerulosclerosis 1. Last evaluated: 2023-03-27. Review status: criteria provided, single submitter. Criteria: ACMG Guidelines, 2015. Collection method: clinical testing. Allele origin: germline. Affected: yes.
Comment: ACMG classification criteria: PM2 supporting, PP2 supporting, BP4 supporting

NM_004924.6(ACTN4):c.1067A>G (p.Asn356Ser)

Gene: ACTN4 (actinin alpha 4; plus strand). Cytogenetic location: 19q13.2.
Variant type: single nucleotide variant.
Coding change: c.1067A>G on transcript NM_004924.6 (MANE Select); coding-DNA position 1067, A replaced by G.
Protein change: p.Asn356Ser; replaces asparagine 356 with serine.
Molecular consequence: missense variant.
Genome position (GRCh38, 1-based): chr19:38,717,240, A>G. VCF-style: chr19-38717240-A-G. GRCh37 (hg19) VCF-style: chr19-39207880-A-G.
Other names: c.1067A>G, p.Asn356Ser (NM_001322033.2, NM_001411143.1); short protein forms N356S.
Identifiers: ClinVar variation 2536504 (VCV002536504.3), dbSNP rs575151706, ClinGen allele CA308136003.